The following is an entry in ClinVar:

NM_000540.3(RYR1):c.14817C>T (p.Asp4939=)

Gene: RYR1 (ryanodine receptor 1; plus strand). Cytogenetic location: 19q13.2.
Variant type: single nucleotide variant.
Coding change: c.14817C>T on transcript NM_000540.3 (MANE Select); coding-DNA position 14817, C replaced by T.
Protein change: p.Asp4939=; no amino-acid change (aspartic acid 4939 retained).
Molecular consequence: synonymous variant.
Genome position (GRCh38, 1-based): chr19:38,585,951, C>T. VCF-style: chr19-38585951-C-T. GRCh37 (hg19) VCF-style: chr19-39076591-C-T.
Other names: c.14802C>T, p.Asp4934= (NM_001042723.2).
Identifiers: ClinVar variation 497467 (VCV000497467.16), dbSNP rs193922895, ClinGen allele CA061698.

ClinVar aggregate classification (germline): Conflicting classifications of pathogenicity. Review status: criteria provided, conflicting classifications (1 of 4 stars). 4 submissions from 4 submitters: Uncertain significance (1); Likely benign (3). Last evaluated 2025-05-21.

Conditions:
RYR1-related disorder. Also called: RYR1-related disorders; RYR1-related condition. Identifiers: MedGen CN239331.
Malignant hyperthermia, susceptibility to, 1 (MHS1). Also called: Malignant hyperthermia suceptibility 1; Anesthesia related hyperthermia; Malignant hyperpyrexia; Fulminating hyperpyrexia; Pharmacogenic myopathy; RYR1-Related Malignant Hyperthermia Susceptibility. Identifiers: Orphanet 423, MedGen C2930980, MONDO:0007783, OMIM 145600.

Allele frequency attached by ClinVar (database versions not stated): ExAC 0.00001; gnomAD exomes 0.00002.
gnomAD v4.1: 27 of 1,613,924 alleles (0.0017%); highest among the groups gnomAD compares: South Asian, 0.015%; no homozygotes.

Submissions (4):

Labcorp Genetics (formerly Invitae), Labcorp
Classification: Likely benign for RYR1-related disorder. Last evaluated: 2025-05-21. Review status: criteria provided, single submitter. Criteria: Invitae Variant Classification Sherloc (09022015). Collection method: clinical testing. Allele origin: germline.

Blueprint Genetics
Classification: Likely benign. Last evaluated: 2024-08-20. Review status: criteria provided, single submitter. Criteria: ACMG Guidelines, 2015. Collection method: clinical testing. Allele origin: germline.

All of Us Research Program, National Institutes of Health
Classification: Likely benign for Malignant hyperthermia, susceptibility to, 1. Last evaluated: 2024-07-29. Review status: criteria provided, single submitter. Criteria: ACMG Guidelines, 2015. Collection method: clinical testing. Allele origin: germline. Inheritance: Autosomal dominant inheritance. Observed: 2 variant alleles, 2 heterozygotes.
Comment: This study involves interpretation of variants in research participants for the purpose of population health screening. Participant phenotype was not available at the time of variant classification. Additional details can be found in publication PMID: 35346344, PMCID: PMC8962531

Eurofins Ntd Llc (ga)
Classification: Uncertain significance. Last evaluated: 2016-10-11. Review status: criteria provided, single submitter. Criteria: EGL Classification Definitions 2015. Collection method: clinical testing. Allele origin: germline. Observed: 1 variant allele, 1 heterozygote.